The following is an entry in ClinVar:

ClinVar aggregate classification (germline): Uncertain significance (1 of 4 stars; one submission).

Submission:

Labcorp Genetics (formerly Invitae), Labcorp
Classification: Uncertain significance. Last evaluated: 2022-07-19. Review status: criteria provided, single submitter. Criteria: Invitae Variant Classification Sherloc (09022015). Collection method: clinical testing. Allele origin: germline.
Comment: In summary, the available evidence is currently insufficient to determine the role of this variant in disease. Therefore, it has been classified as a Variant of Uncertain Significance. Algorithms developed to predict the effect of missense changes on protein structure and function are either unavailable or do not agree on the potential impact of this missense change (SIFT: "Tolerated"; PolyPhen-2: "Possibly Damaging"; Align-GVGD: "Class C0"). This variant has not been reported in the literature in individuals affected with TYRP1-related conditions. This variant is not present in population databases (gnomAD no frequency). This sequence change replaces glutamic acid, which is acidic and polar, with lysine, which is basic and polar, at codon 428 of the TYRP1 protein (p.Glu428Lys).

NM_000550.3(TYRP1):c.1282G>A (p.Glu428Lys)

Genes: LURAP1L-AS1 (LURAP1L antisense RNA 1; minus strand), TYRP1 (tyrosinase related protein 1; plus strand). Cytogenetic location: 9p23.
Variant type: single nucleotide variant.
Coding change: c.1282G>A on transcript NM_000550.3 (MANE Select); coding-DNA position 1282, G replaced by A.
Protein change: p.Glu428Lys; replaces glutamic acid 428 with lysine.
Molecular consequence: missense variant.
Genome position (GRCh38, 1-based): chr9:12,708,017, G>A. VCF-style: chr9-12708017-G-A. GRCh37 (hg19) VCF-style: chr9-12708017-G-A.
Other names: short protein forms E428K.
Identifiers: ClinVar variation 2107304 (VCV002107304.4), dbSNP rs761031566, ClinGen allele CA372943745.